The following is an entry in ClinVar:

NM_002637.4(PHKA1):c.1160C>T (p.Pro387Leu)

Gene: PHKA1 (phosphorylase kinase regulatory subunit alpha 1; minus strand). Cytogenetic location: Xq13.1.
Variant type: single nucleotide variant.
Coding change: c.1160C>T on transcript NM_002637.4 (MANE Select); coding-DNA position 1160, C replaced by T.
Protein change: p.Pro387Leu; replaces proline 387 with leucine.
Molecular consequence: missense variant.
Genome position (GRCh38, 1-based): chrX:72,652,629, G>A on the plus strand (C>T on the coding strand, the complement: PHKA1 is on the minus strand). VCF-style: chrX-72652629-G-A. GRCh37 (hg19) VCF-style: chrX-71872479-G-A.
Other names: c.1160C>T, p.Pro387Leu (NM_001122670.2, NM_001172436.2, NM_001431068.1); short protein forms P387L.
Identifiers: ClinVar variation 3774531 (VCV003774531.1).

ClinVar aggregate classification (germline): Uncertain significance (1 of 4 stars; one submission).

Conditions:
Glycogen storage disease IXd (GSD9D). Also called: Muscle Phosphorylase Kinase Deficiency; GSD IXd. Identifiers: Orphanet 715, MedGen C1845151, MONDO:0010362, OMIM 300559.

Submission:

Diagnostics Services (NGS), CSIR - Centre For Cellular And Molecular Biology
Classification: Uncertain significance for Glycogen storage disease IXd. Last evaluated: 2025-03-11. Review status: criteria provided, single submitter. Criteria: ACMG Guidelines, 2015. Collection method: clinical testing. Allele origin: germline. Observed: 1 variant allele, 1 hemizygote.
Comment: The c.1160C>T variant is not present in 1000 Genomes, EVS, gnomAD, Indian Exome Database or our internal database. The variant has neither been published in the literature for PHKA1-related conditions nor reported to clinical databases like OMIM, HGMD or ClinVar, in any affected individuals. In-silico pathogenicity prediction programs like SIFT, Polyphen-2, MutationTaster2021, CADD etc predicted this variant to be likely deleterious however these predictions were not confirmed by any published functional studies.